The following continues an entry in ClinVar:

NM_007194.4(CHEK2):c.1336A>G (p.Asn446Asp)

Gene: CHEK2. ClinVar aggregate classification (germline): Conflicting classifications of pathogenicity. Uncertain significance (13); Likely benign (5).

Submissions 11 to 20 of 20:

CHEO Genetics Diagnostic Laboratory, Children's Hospital of Eastern Ontario
Classification: Likely benign for Breast and/or ovarian cancer. Last evaluated: 2023-04-18. Review status: criteria provided, single submitter. Criteria: ACMG Guidelines, 2015. Collection method: clinical testing. Allele origin: germline.

Sema4
Classification: Uncertain significance for Hereditary cancer-predisposing syndrome. Last evaluated: 2022-01-21. Review status: criteria provided, single submitter. Criteria: Sema4 Curation Guidelines. Collection method: curation. Allele origin: germline.
Comment: The CHEK2 c.1336A>G (p.N446D) variant has been reported in heterozygosity in at least 3 individuals with non-Hodgkin lymphoma, breast and rectal cancer (PMID: 26506619, 27616075, 27978560). It has been reported in case-control studies of breast cancer in 5/60466 cases and 3/53461 controls (PMID: 33471991), 0/1303 cases and 1/1109 controls (PMID:21244692), 4/48826 cases and 3/50703 controls (PMID:34903604). It is also reported in case control study of Epithelial ovarian cancer (EOC) in 0/6385 cases and 1/6115 controls (PMID:32546565). It was observed in 19/282494 chromosomes across the large and broad cohorts of the Genome Aggregation Database (PMID: 32461654). This variant has been reported in ClinVar (Variation ID 126909). In silico tools suggest the impact of the variant on protein function is benign. A functional study in yeast suggested the normal function of the protein (PMID: 30851065). The evidence is insufficient to meet ACMG/AMP criteria for classifying the variant as benign or pathogenic. Thus, the clinical significance of this variant is currently uncertain.

GeneDx
Classification: Uncertain significance. Last evaluated: 2021-11-15. Review status: criteria provided, single submitter. Criteria: GeneDx Variant Classification Process June 2021. Collection method: clinical testing. Allele origin: germline. Affected: yes.
Comment: Not observed at a significant frequency in large population cohorts (gnomAD); In silico analysis supports that this missense variant does not alter protein structure/function; Observed in individuals with breast cancer, rectal cancer, or lymphoma and in unaffected controls (Le Calvez-Kelm 2011, Havranek 2015, Kraus 2016, Pearlman 2017); Published functional study demonstrates no damaging effect: normal cell growth after MMS-induced DNA damage (Delimitsou 2019); This variant is associated with the following publications: (PMID: 26506619, 21244692, 27978560, 27616075, 26787654, 28873162, 29596542, 30851065, 31398194, 31422574, 19782031, 22419737, 34903604)

Institute for Clinical Genetics, University Hospital TU Dresden, University Hospital TU Dresden
Classification: Uncertain significance. Last evaluated: 2021-11-03. Review status: criteria provided, single submitter. Criteria: ACMG Guidelines, 2015. Collection method: clinical testing. Allele origin: germline.

Ambry Genetics
Classification: Likely benign for Hereditary cancer-predisposing syndrome. Last evaluated: 2020-03-30. Review status: criteria provided, single submitter. Criteria: Ambry Variant Classification Scheme 2023. Collection method: clinical testing. Allele origin: germline.

Institute of Human Genetics, University of Leipzig Medical Center
Classification: Uncertain significance for Familial cancer of breast. Last evaluated: 2019-05-06. Review status: criteria provided, single submitter. Criteria: ACMG Guidelines, 2015. Collection method: clinical testing. Allele origin: germline. Affected: yes. Observed: 1 variant allele.

Fulgent Genetics
Classification: Uncertain significance for Familial cancer of breast; Familial prostate cancer; Bone osteosarcoma; CHEK2-related cancer predisposition. Last evaluated: 2017-05-23. Review status: criteria provided, single submitter. Criteria: ACMG Guidelines, 2015. Collection method: clinical testing. Allele origin: unknown.

Illumina Laboratory Services, Illumina
Classification: Uncertain significance for CHEK2-Related Cancer Susceptibility. Last evaluated: 2017-04-27. Review status: criteria provided, single submitter. Criteria: ICSL Variant Classification Criteria 13 December 2019. Collection method: clinical testing. Allele origin: germline.

Department of Pathology and Laboratory Medicine, Sinai Health System
Classification: Uncertain significance for Malignant tumor of breast. Review status: no assertion criteria provided. Collection method: clinical testing. Allele origin: unknown. Affected: yes. Study: The Canadian Open Genetics Repository (COGR). Not counted in ClinVar's aggregate classification.
Comment: The CHEK2 p.Asn446Asp variant was identified in 3 of 10018 proband chromosomes (frequency: 0.0003) from individuals or families with Non-Hodgkin Lymphoma, breast cancer and colorectal cancer (Havranek 2015, Kraus 2017, Le Calvez-Kelm 2011, Pearlman 2017) and was present in 1 of 3208 control chromosomes (frequency: 0.0003) from healthy individuals (Havranek 2015, Le Calvez-Kelm 2011).The variant was also identified in dbSNP (ID: rs121908705) as With Uncertain significance allele, ClinVar (classified as uncertain significance by GeneDx, Invitae, Color Genomics, Ambry Genetics and 3 clinical laboratories), Clinvitae (classified as uncertain significance by Clinvar and Invitae), MutDB, databases. The variant was not identified in Cosmic, Zhejiang Colon Cancer Database, databases. The variant was identified in control databases in 19 of 276858 chromosomes at a frequency of 0.000069 (Genome Aggregation Database Feb 27, 2017). Breakdown of the observations by population include European Non-Finnish in 9 of 126372 chromosomes (freq: 0.0001), and South Asian in 10 of 30776 chromosomes (freq: 0.0003), while the variant was not observed in the African, Other, Latino, Ashkenazi Jewish, East Asian, European Finnish, populations. The p.Asn446 residue is conserved in mammals but not in more distantly related organisms however computational analyses (PolyPhen-2, SIFT, AlignGVGD, BLOSUM, MutationTaster) do not suggest a high likelihood of impact to the protein; this information is not predictive enough to rule out pathogenicity. The variant occurs outside of the splicing consensus sequence and in silico or computational prediction software programs (SpliceSiteFinder, MaxEntScan, NNSPLICE, GeneSplicer, HumanSpliceFinder) do not predict a difference in splicing. In summary, based on the above information, the clinical significance of this variant cannot be determined with certainty at this time. This variant is classified as a variant of uncertain significance.

Institute. of Biochemistry and Experimental Oncology, First Faculty of Medicine, Charles University in Prague
No classification provided. Review status: no classification provided. Collection method: not provided. Allele origin: germline. Not counted in ClinVar's aggregate classification.
Comment: Characterized in 1 out of 340 Non-Hodgkin lymphoma patients

Literature cited by the submitters: PubMed 26506619 (cited by 5 submitters); PubMed 27616075 (cited by 5 submitters); PubMed 27978560 (cited by 5 submitters); PubMed 34326862 (cited by Labcorp Genetics (formerly Invitae), Labcorp and Women's Health and Genetics/Laboratory Corporation of America, LabCorp); PubMed 30851065 (cited by 5 submitters); PubMed 34903604 (cited by 4 submitters); PubMed 37449874 (cited by 3 submitters); PubMed 21244692 (cited by 3 submitters); PubMed 26787654 (cited by Women's Health and Genetics/Laboratory Corporation of America, LabCorp and Quest Diagnostics Nichols Institute San Juan Capistrano); PubMed 31422574 (cited by Women's Health and Genetics/Laboratory Corporation of America, LabCorp and Quest Diagnostics Nichols Institute San Juan Capistrano); PubMed 31398194 (cited by Women's Health and Genetics/Laboratory Corporation of America, LabCorp); PubMed 31512090 (cited by Women's Health and Genetics/Laboratory Corporation of America, LabCorp); PubMed 28102005 (cited by Women's Health and Genetics/Laboratory Corporation of America, LabCorp); PubMed 35402282 (cited by Women's Health and Genetics/Laboratory Corporation of America, LabCorp); PubMed 34250417 (cited by Women's Health and Genetics/Laboratory Corporation of America, LabCorp); PubMed 35643632 (cited by Women's Health and Genetics/Laboratory Corporation of America, LabCorp); PubMed 32321774 (cited by Women's Health and Genetics/Laboratory Corporation of America, LabCorp); PubMed 38734904 (cited by Women's Health and Genetics/Laboratory Corporation of America, LabCorp); PubMed 39565531 (cited by Women's Health and Genetics/Laboratory Corporation of America, LabCorp); PubMed 25155515 (cited by Women's Health and Genetics/Laboratory Corporation of America, LabCorp); PubMed 39642869 (cited by Women's Health and Genetics/Laboratory Corporation of America, LabCorp); PubMed 34433815 (cited by Women's Health and Genetics/Laboratory Corporation of America, LabCorp); PubMed 33471991 (cited by Quest Diagnostics Nichols Institute San Juan Capistrano and Sema4); PubMed 25085752 (cited by Myriad Genetics, Inc.); PubMed 32546565 (cited by Sema4).